The following is an entry in ClinVar:

NM_002335.4(LRP5):c.1225A>G (p.Thr409Ala)

Gene: LRP5 (LDL receptor related protein 5; plus strand). Cytogenetic location: 11q13.2.
Variant type: single nucleotide variant.
Coding change: c.1225A>G on transcript NM_002335.4 (MANE Select); coding-DNA position 1225, A replaced by G.
Protein change: p.Thr409Ala; replaces threonine 409 with alanine.
Molecular consequence: missense variant. On other transcripts: 5 prime UTR variant (1).
Genome position (GRCh38, 1-based): chr11:68,386,525, A>G. VCF-style: chr11-68386525-A-G. GRCh37 (hg19) VCF-style: chr11-68153993-A-G.
Other names: c.-541A>G (NM_001291902.2); short protein forms T409A.
Identifiers: ClinVar variation 843927 (VCV000843927.8), dbSNP rs1273567061, ClinGen allele CA381612497.

ClinVar aggregate classification (germline): Conflicting classifications of pathogenicity. Review status: criteria provided, conflicting classifications (1 of 4 stars). 2 submissions from 2 submitters: Pathogenic (1); Uncertain significance (1). Last evaluated 2025-06-16.

Conditions:
Bone mineral density quantitative trait locus 1 (BMND1). Identifiers: MedGen C1866079, OMIM 601884.
Exudative vitreoretinopathy 4 (EVR4). Identifiers: Orphanet 891, MedGen C1866176, MONDO:0011151, OMIM 601813.
Polycystic liver disease 4 with or without kidney cysts. Identifiers: MedGen C4693479, MONDO:0044327, OMIM 617875.
Autosomal dominant osteopetrosis 1 (OPTA1). Also called: OSTEOPETROSIS, AUTOSOMAL DOMINANT, TYPE I. Identifiers: Orphanet 2783, MedGen C1843330, MONDO:0011877, OMIM 607634.
Osteoporosis with pseudoglioma (OPPG). Also called: osteoporosis-pseudoglioma syndrome. Identifiers: Orphanet 2788, MedGen C0432252, MONDO:0009820, OMIM 259770.
Worth disease. Also called: ENDOSTEAL HYPEROSTOSIS, AUTOSOMAL DOMINANT; OSTEOSCLEROSIS, AUTOSOMAL DOMINANT; Autosomal dominant osteosclerosis, Worth type. Identifiers: Orphanet 2790, MedGen C0432273, MONDO:0007764, OMIM 144750.

Allele frequency attached by ClinVar (database versions not stated): gnomAD exomes below 0.00001 and 0.00001; TOPMed 0.00001; gnomAD 0.00002.

Submissions (2):

Labcorp Genetics (formerly Invitae), Labcorp
Classification: Pathogenic. Last evaluated: 2025-06-16. Review status: criteria provided, single submitter. Criteria: Invitae Variant Classification Sherloc (09022015). Collection method: clinical testing. Allele origin: germline.
Comment: This sequence change replaces threonine, which is neutral and polar, with alanine, which is neutral and non-polar, at codon 409 of the LRP5 protein (p.Thr409Ala). This variant is present in population databases (no rsID available, gnomAD 0.0009%). This missense change has been observed in individual(s) with osteoporosis-pseudoglioma syndrome (PMID: 18602879). In at least one individual the data is consistent with being in trans (on the opposite chromosome) from a pathogenic variant. It has also been observed to segregate with disease in related individuals. ClinVar contains an entry for this variant (Variation ID: 843927). Invitae Evidence Modeling of protein sequence and biophysical properties (such as structural, functional, and spatial information, amino acid conservation, physicochemical variation, residue mobility, and thermodynamic stability) has been performed for this missense variant. However, the output from this modeling did not meet the statistical confidence thresholds required to predict the impact of this variant on LRP5 protein function. For these reasons, this variant has been classified as Pathogenic.

Fulgent Genetics
Classification: Uncertain significance for Worth disease; Osteoporosis with pseudoglioma; Exudative vitreoretinopathy 4; Bone mineral density quantitative trait locus 1; Autosomal dominant osteopetrosis 1; Polycystic liver disease 4 with or without kidney cysts. Last evaluated: 2024-04-25. Review status: criteria provided, single submitter. Criteria: ACMG Guidelines, 2015. Collection method: clinical testing. Allele origin: germline.

Literature cited by the submitters: PubMed 18602879 (cited by Labcorp Genetics (formerly Invitae), Labcorp).